The following is an entry in ClinVar:

ClinVar aggregate classification (germline): Uncertain significance (1 of 4 stars; one submission).

Conditions:
Joubert syndrome 21 (JBTS21). Identifiers: MedGen C3810212, MONDO:0014288, OMIM 615636.

Allele frequency attached by ClinVar (database versions not stated): TOPMed below 0.00001; ESP Exome Variant Server 0.00009.
gnomAD v4.1: 7 of 1,598,176 alleles (0.00044%); highest among the groups gnomAD compares: Non-Finnish European, 0.0006%; no homozygotes.

Submission:

Labcorp Genetics (formerly Invitae), Labcorp
Classification: Uncertain significance for Joubert syndrome 21. Last evaluated: 2023-08-10. Review status: criteria provided, single submitter. Criteria: Invitae Variant Classification Sherloc (09022015). Collection method: clinical testing. Allele origin: germline.
Comment: This sequence change replaces arginine, which is basic and polar, with serine, which is neutral and polar, at codon 139 of the CSPP1 protein (p.Arg139Ser). This variant is present in population databases (rs370128733, gnomAD 0.005%). This variant has not been reported in the literature in individuals affected with CSPP1-related conditions. An algorithm developed to predict the effect of missense changes on protein structure and function (PolyPhen-2) suggests that this variant is likely to be disruptive. Algorithms developed to predict the effect of sequence changes on RNA splicing suggest that this variant may disrupt the consensus splice site. In summary, the available evidence is currently insufficient to determine the role of this variant in disease. Therefore, it has been classified as a Variant of Uncertain Significance.

NM_001382391.1(CSPP1):c.390G>T (p.Arg130Ser)

Gene: CSPP1 (centrosome and spindle pole associated protein 1; plus strand). Cytogenetic location: 8q13.1.
Variant type: single nucleotide variant.
Coding change: c.390G>T on transcript NM_001382391.1 (MANE Select); coding-DNA position 390, G replaced by T.
Protein change: p.Arg130Ser; replaces arginine 130 with serine.
Molecular consequence: missense variant. On other transcripts: 5 prime UTR variant (1).
Genome position (GRCh38, 1-based): chr8:67,093,548, G>T. VCF-style: chr8-67093548-G-T. GRCh37 (hg19) VCF-style: chr8-68005783-G-T.
Other names: c.-466G>T (NM_001291339.2); c.309G>T, p.Arg103Ser (NM_001363131.2, NM_001363133.2); c.390G>T, p.Arg130Ser (NM_001363132.2); c.498G>T, p.Arg166Ser (NM_001364869.1); c.417G>T, p.Arg139Ser (NM_001364870.1, NM_024790.7); short protein forms R130S, R139S, R166S, R103S.
Identifiers: ClinVar variation 2987736 (VCV002987736.3), dbSNP rs370128733, ClinGen allele CA4770281.